The following is an entry in ClinVar:

NM_015122.3(FCHO1):c.2586G>C (p.Val862=)

Gene: FCHO1 (FCH and mu domain containing endocytic adaptor 1; plus strand). Cytogenetic location: 19p13.11.
Variant type: single nucleotide variant.
Coding change: c.2586G>C on transcript NM_015122.3 (MANE Select); coding-DNA position 2586, G replaced by C.
Protein change: p.Val862=; no amino-acid change (valine 862 retained).
Molecular consequence: synonymous variant. On other transcripts: missense variant (3), non-coding transcript variant (36).
Genome position (GRCh38, 1-based): chr19:17,787,785, G>C. VCF-style: chr19-17787785-G-C. GRCh37 (hg19) VCF-style: chr19-17898594-G-C.
Other names: c.2586G>C, p.Val862= (NM_001161357.2, NM_001161358.2, NM_001384370.1 and 11 more transcripts); c.2436G>C, p.Val812= (NM_001161359.2, NM_001384384.1, NM_001384385.1 and 1 more transcripts); c.2565G>C, p.Val855= (NM_001384387.1); c.2547G>C, p.Val849= (NM_001384388.1, NM_001384389.1); c.2511G>C, p.Val837= (NM_001384390.1); c.2386G>C, p.Gly796Arg (NM_001384391.1); c.2469G>C, p.Val823= (NM_001384392.1, NM_001384393.1, NM_001384394.1 and 1 more transcripts); c.2310G>C, p.Val770= (NM_001384396.1, NM_001384397.1, NM_001384398.1 and 4 more transcripts); and 5 more; short protein forms G654R, G704R, G796R.
Identifiers: ClinVar variation 5041378 (VCV005041378.1).

ClinVar aggregate classification (germline): Likely benign (1 of 4 stars; one submission).

gnomAD v4.1: 2 of 1,612,918 alleles (0.00012%); highest among the groups gnomAD compares: Non-Finnish European, 0.00017%; no homozygotes.

Submission:

CeGaT Center for Human Genetics Tuebingen
Classification: Likely benign. Last evaluated: 2026-09-01. Review status: criteria provided, single submitter. Criteria: CeGaT Center For Human Genetics Tuebingen Variant Classification Criteria Version 2. Collection method: clinical testing. Allele origin: germline. Affected: yes. Observed: 1 variant allele.
Comment: FCHO1: BP4, BP7